The following is an entry in ClinVar:

NM_001127217.3(SMAD9):c.1016A>G (p.Tyr339Cys)

Gene: SMAD9 (SMAD family member 9; minus strand). Cytogenetic location: 13q13.3.
Variant type: single nucleotide variant.
Coding change: c.1016A>G on transcript NM_001127217.3 (MANE Select); coding-DNA position 1016, A replaced by G.
Protein change: p.Tyr339Cys; replaces tyrosine 339 with cysteine.
Molecular consequence: missense variant.
Genome position (GRCh38, 1-based): chr13:36,853,663, T>C on the plus strand (A>G on the coding strand, the complement: SMAD9 is on the minus strand). VCF-style: chr13-36853663-T-C. GRCh37 (hg19) VCF-style: chr13-37427800-T-C.
Other names: c.905A>G, p.Tyr302Cys (NM_001378621.1, NM_005905.6); short protein forms Y302C, Y339C.
Identifiers: ClinVar variation 993610 (VCV000993610.8), dbSNP rs368571123, ClinGen allele CA248196508.
Genomic context (GRCh38, chr13:36,853,663, plus strand): 5'-CTCTGCACAAAGATGCTGCTGTCACTCACGCACTCGGCATACACCTCTCCCCCGACGTAG[T>C]ACAAGTGCACACCTGCAGACACAAAAACACAGCCTTCCTTCACATGCCCTTTCATAGCGT-3'
Protein context (NP_001120689.1, residues 329-349): RRHIGKGVHL[Tyr339Cys]YVGGEVYAEC

ClinVar aggregate classification (germline): Uncertain significance (1 of 4 stars; one submission).

Conditions:
Pulmonary hypertension, primary, 2. Identifiers: Orphanet 422, MedGen C3888002, MONDO:0014134, OMIM 615342.

Submission:

ARUP Laboratories, Molecular Genetics and Genomics, ARUP Laboratories
Classification: Uncertain significance for Pulmonary hypertension, primary, 2. Last evaluated: 2019-09-07. Review status: criteria provided, single submitter. Criteria: ARUP Molecular Germline Variant Investigation Process. Collection method: clinical testing. Allele origin: germline.
Comment: The SMAD9 c.1016A>G; p.Tyr339Cys variant (rs368571123), to our knowledge, is not reported in the medical literature or gene specific databases. This variant is also absent from general population databases (Exome Variant Server, Genome Aggregation Database), indicating it is not a common polymorphism. The tyrosine at codon 339 is highly conserved, and computational analyses (SIFT, PolyPhen-2) predict that this variant is deleterious. Due to limited information, the clinical significance of the p.Tyr339Cys variant is uncertain at this time.